The following is an entry in ClinVar:

ClinVar aggregate classification (germline): Likely benign (1 of 4 stars; one submission).

Conditions:
BDNF-related disorder. Also called: BDNF-related condition.

gnomAD v4.1: 3 of 1,614,194 alleles (0.00019%); highest among the groups gnomAD compares: African/African-American, 0.0013%; no homozygotes.

Submission:

PreventionGenetics, part of Exact Sciences
Classification: Likely benign for BDNF-related condition. Last evaluated: 2026-06-12. Review status: criteria provided, single submitter. Criteria: ACMG Guidelines, 2015. Collection method: clinical testing. Allele origin: germline.
Comment: This variant is classified as likely benign based on ACMG/AMP sequence variant interpretation guidelines (Richards et al. 2015 PMID: 25741868, with internal and published modifications).

NM_001709.5(BDNF):c.720A>G (p.Thr240=)

Genes: BDNF (brain derived neurotrophic factor; minus strand), BDNF-AS (BDNF antisense RNA; plus strand). Cytogenetic location: 11p14.1.
Variant type: single nucleotide variant.
Coding change: c.720A>G on transcript NM_001709.5 (MANE Select); coding-DNA position 720, A replaced by G.
Protein change: p.Thr240=; no amino-acid change (threonine 240 retained).
Molecular consequence: synonymous variant.
Genome position (GRCh38, 1-based): chr11:27,657,845, T>C on the plus strand (A>G on the coding strand, the complement: BDNF is on the minus strand). VCF-style: chr11-27657845-T-C. GRCh37 (hg19) VCF-style: chr11-27679392-T-C.
Other names: c.720A>G, p.Thr240= (NM_001143805.1, NM_001143806.1, NM_001143807.2 and 9 more transcripts); c.807A>G, p.Thr269= (NM_001143809.2); c.966A>G, p.Thr322= (NM_001143810.2); c.744A>G, p.Thr248= (NM_170731.5); c.765A>G, p.Thr255= (NM_170734.4).
Identifiers: ClinVar variation 4988563 (VCV004988563.1).